The following is an entry in ClinVar:

NM_000268.4(NF2):c.1195G>A (p.Ala399Thr)

Gene: NF2 (NF2, moesin-ezrin-radixin like (MERLIN) tumor suppressor; plus strand). Cytogenetic location: 22q12.2.
Variant type: single nucleotide variant.
Coding change: c.1195G>A on transcript NM_000268.4 (MANE Select); coding-DNA position 1195, G replaced by A.
Protein change: p.Ala399Thr; replaces alanine 399 with threonine.
Molecular consequence: missense variant. On other transcripts: non-coding transcript variant (1), intron variant (1).
Genome position (GRCh38, 1-based): chr22:29,673,341, G>A. VCF-style: chr22-29673341-G-A. GRCh37 (hg19) VCF-style: chr22-30069330-G-A.
Other names: c.1195G>A, p.Ala399Thr (NM_016418.5, NM_181825.3, NM_181832.3); c.1069G>A, p.Ala357Thr (NM_181828.3); c.1072G>A, p.Ala358Thr (NM_181829.3); c.946G>A, p.Ala316Thr (NM_181830.3, NM_181831.3); c.448-21411G>A (NM_181833.3); c.1195G>A (NM_000268.3); short protein forms A357T, A399T, A358T, A316T.
Identifiers: ClinVar variation 1484393 (VCV001484393.7), dbSNP rs2147082690, ClinGen allele CA411148118.

ClinVar aggregate classification (germline): Uncertain significance. Review status: criteria provided, multiple submitters, no conflicts (2 of 4 stars). 2 submissions from 2 submitters: Uncertain significance (2). Last evaluated 2026-07-07.

Conditions:
Hereditary cancer-predisposing syndrome. Also called: Hereditary Cancer Syndrome; Tumor predisposition; Neoplastic Syndromes, Hereditary; Hereditary neoplastic syndrome. Identifiers: Orphanet 140162, MedGen C0027672, MeSH D009386, MONDO:0015356.
Neurofibromatosis, type 2 (SWNV). Also called: SCHWANNOMATOSIS, VESTIBULAR; BILATERAL ACOUSTIC NEUROFIBROMATOSIS; NF2-Related Schwannomatosis. Identifiers: Orphanet 637, MedGen C0027832, MONDO:0007039, OMIM 101000. Disease mechanism: loss of function.

Submissions (2):

Ambry Genetics
Classification: Uncertain significance for Hereditary cancer-predisposing syndrome. Last evaluated: 2026-07-07. Review status: criteria provided, single submitter. Criteria: Ambry Variant Classification Scheme 2023. Collection method: clinical testing. Allele origin: germline.
Comment: The p.A399T variant (also known as c.1195G>A), located in coding exon 12 of the NF2 gene, results from a G to A substitution at nucleotide position 1195. The alanine at codon 399 is replaced by threonine, an amino acid with similar properties. This amino acid position is conserved. In addition, the in silico prediction for this alteration is inconclusive. Based on the available evidence, the clinical significance of this variant remains unclear.

Labcorp Genetics (formerly Invitae), Labcorp
Classification: Uncertain significance for Neurofibromatosis, type 2. Last evaluated: 2025-08-31. Review status: criteria provided, single submitter. Criteria: Invitae Variant Classification Sherloc (09022015). Collection method: clinical testing. Allele origin: germline.
Comment: This sequence change replaces alanine, which is neutral and non-polar, with threonine, which is neutral and polar, at codon 399 of the NF2 protein (p.Ala399Thr). This variant is not present in population databases (gnomAD no frequency). This variant has not been reported in the literature in individuals affected with NF2-related conditions. ClinVar contains an entry for this variant (Variation ID: 1484393). Invitae Evidence Modeling of protein sequence and biophysical properties (such as structural, functional, and spatial information, amino acid conservation, physicochemical variation, residue mobility, and thermodynamic stability) indicates that this missense variant is not expected to disrupt NF2 protein function with a negative predictive value of 80%. In summary, the available evidence is currently insufficient to determine the role of this variant in disease. Therefore, it has been classified as a Variant of Uncertain Significance.